The following is an entry in ClinVar:

ClinVar aggregate classification (germline): Uncertain significance (1 of 4 stars; one submission).

Conditions:
Neonatal encephalomyopathy-cardiomyopathy-respiratory distress syndrome. Also called: Coenzyme Q10 deficiency, primary, 7. Identifiers: Orphanet 457185, MedGen C5568562, MONDO:0014562, OMIM 616276.

Allele frequency attached by ClinVar (database versions not stated): gnomAD 0.00001; gnomAD exomes 0.00001; TOPMed 0.00002.
gnomAD v4.1: 15 of 1,613,928 alleles (0.00093%); highest among the groups gnomAD compares: East Asian, 0.0089%; no homozygotes.

Submission:

Labcorp Genetics (formerly Invitae), Labcorp
Classification: Uncertain significance for Neonatal encephalomyopathy-cardiomyopathy-respiratory distress syndrome. Last evaluated: 2022-05-17. Review status: criteria provided, single submitter. Criteria: Invitae Variant Classification Sherloc (09022015). Collection method: clinical testing. Allele origin: germline.
Comment: This sequence change replaces arginine, which is basic and polar, with tryptophan, which is neutral and slightly polar, at codon 104 of the COQ4 protein (p.Arg104Trp). This variant is present in population databases (no rsID available, gnomAD 0.01%). This variant has not been reported in the literature in individuals affected with COQ4-related conditions. Algorithms developed to predict the effect of missense changes on protein structure and function are either unavailable or do not agree on the potential impact of this missense change (SIFT: "Deleterious"; PolyPhen-2: "Probably Damaging"; Align-GVGD: "Class C15"). In summary, the available evidence is currently insufficient to determine the role of this variant in disease. Therefore, it has been classified as a Variant of Uncertain Significance.

NM_016035.5(COQ4):c.310C>T (p.Arg104Trp)

Gene: COQ4 (coenzyme Q4; plus strand). Cytogenetic location: 9q34.11.
Variant type: single nucleotide variant.
Coding change: c.310C>T on transcript NM_016035.5 (MANE Select); coding-DNA position 310, C replaced by T.
Protein change: p.Arg104Trp; replaces arginine 104 with tryptophan.
Molecular consequence: missense variant. On other transcripts: synonymous variant (1).
Genome position (GRCh38, 1-based): chr9:128,325,789, C>T. VCF-style: chr9-128325789-C-T. GRCh37 (hg19) VCF-style: chr9-131088068-C-T.
Other names: c.213C>T, p.Pro71= (NM_001305942.2); short protein forms R104W.
Identifiers: ClinVar variation 2081684 (VCV002081684.2), dbSNP rs1046811704, ClinGen allele CA200334919.